The following is an entry in ClinVar:

NM_001013838.3(CARMIL2):c.1714C>T (p.Arg572Trp)

Gene: CARMIL2 (capping protein regulator and myosin 1 linker 2; plus strand). Cytogenetic location: 16q22.1.
Variant type: single nucleotide variant.
Coding change: c.1714C>T on transcript NM_001013838.3 (MANE Select); coding-DNA position 1714, C replaced by T.
Protein change: p.Arg572Trp; replaces arginine 572 with tryptophan.
Molecular consequence: missense variant.
Genome position (GRCh38, 1-based): chr16:67,649,279, C>T. VCF-style: chr16-67649279-C-T. GRCh37 (hg19) VCF-style: chr16-67683182-C-T.
Other names: c.1606C>T, p.Arg536Trp (NM_001317026.3); short protein forms R572W, R536W.
Identifiers: ClinVar variation 2096049 (VCV002096049.4), dbSNP rs937152974, ClinGen allele CA283205188.
Genomic context (GRCh38, chr16:67,649,279, plus strand): 5'-CCCCTGTCCCCCACAACTGCGGCCCCTGCCCACAGGGAGACCCTGGACGACGTCCTGCAC[C>T]GGATTGTCCAGCTCATGCAGGACGACGATTGTGTGAGTTCACGGGACCTTGCAGGGCCTC-3'
Protein context (NP_001013860.1, residues 562-582): CKETLDDVLH[Arg572Trp]IVQLMQDDDC

ClinVar aggregate classification (germline): Uncertain significance (1 of 4 stars; one submission).

Allele frequency attached by ClinVar (database versions not stated): TOPMed below 0.00001; gnomAD 0.00001; gnomAD exomes 0.00001.

Submission:

Labcorp Genetics (formerly Invitae), Labcorp
Classification: Uncertain significance. Last evaluated: 2023-11-28. Review status: criteria provided, single submitter. Criteria: Invitae Variant Classification Sherloc (09022015). Collection method: clinical testing. Allele origin: germline.
Comment: This sequence change replaces arginine, which is basic and polar, with tryptophan, which is neutral and slightly polar, at codon 572 of the CARMIL2 protein (p.Arg572Trp). The frequency data for this variant in the population databases is considered unreliable, as metrics indicate poor data quality at this position in the gnomAD database. This variant has not been reported in the literature in individuals affected with CARMIL2-related conditions. ClinVar contains an entry for this variant (Variation ID: 2096049). Advanced modeling of protein sequence and biophysical properties (such as structural, functional, and spatial information, amino acid conservation, physicochemical variation, residue mobility, and thermodynamic stability) performed at Invitae indicates that this missense variant is expected to disrupt CARMIL2 protein function with a positive predictive value of 80%. In summary, the available evidence is currently insufficient to determine the role of this variant in disease. Therefore, it has been classified as a Variant of Uncertain Significance.